The following is an entry in ClinVar:

ClinVar aggregate classification (germline): Likely benign. Review status: criteria provided, single submitter (1 of 4 stars). 2 submissions from 2 submitters: Likely benign (1). 1 of the submissions does not count toward it. Last evaluated 2026-07-01.

Conditions:
KDM6B-related disorder. Also called: KDM6B-related condition.

Allele frequency attached by ClinVar (database versions not stated): 1000 Genomes Project 0.00020; ExAC 0.00068; gnomAD 0.00075; ESP Exome Variant Server 0.00085; gnomAD exomes 0.00135.
gnomAD v4.1: 2,071 of 1,607,058 alleles (0.13%); highest among the groups gnomAD compares: Non-Finnish European, 0.17%; 2 homozygotes.

Submissions (2):

CeGaT Center for Human Genetics Tuebingen
Classification: Likely benign. Last evaluated: 2026-07-01. Review status: criteria provided, single submitter. Criteria: CeGaT Center For Human Genetics Tuebingen Variant Classification Criteria Version 2. Collection method: clinical testing. Allele origin: germline. Affected: yes. Observed: 5 variant alleles.
Comment: KDM6B: BS1

PreventionGenetics, part of Exact Sciences
Classification: Likely benign for KDM6B-related condition. Last evaluated: 2022-04-20. Review status: no assertion criteria provided. Collection method: clinical testing. Allele origin: germline. Not counted in ClinVar's aggregate classification.
Comment: This variant is classified as likely benign based on ACMG/AMP sequence variant interpretation guidelines (Richards et al. 2015 PMID: 25741868, with internal and published modifications).

NM_001348716.2(KDM6B):c.2282C>G (p.Thr761Ser)

Gene: KDM6B (lysine demethylase 6B; plus strand). Cytogenetic location: 17p13.1.
Variant type: single nucleotide variant.
Coding change: c.2282C>G on transcript NM_001348716.2 (MANE Select); coding-DNA position 2282, C replaced by G.
Protein change: p.Thr761Ser; replaces threonine 761 with serine.
Molecular consequence: missense variant.
Genome position (GRCh38, 1-based): chr17:7,848,570, C>G. VCF-style: chr17-7848570-C-G. GRCh37 (hg19) VCF-style: chr17-7751888-C-G.
Other names: c.2282C>G, p.Thr761Ser (NM_001080424.2); c.2282C>G (NM_001080424.1); short protein forms T761S.
Identifiers: ClinVar variation 2647405 (VCV002647405.25), dbSNP rs137945821, ClinGen allele CA8360863.